The following is an entry in ClinVar:

ClinVar aggregate classification (germline): Likely benign. Review status: criteria provided, multiple submitters, no conflicts (2 of 4 stars). 4 submissions from 4 submitters: Likely benign (4). Last evaluated 2025-02-10.

Conditions:
SNRNP200-related disorder. Also called: SNRNP200-related condition.

Allele frequency attached by ClinVar (database versions not stated): gnomAD exomes 0.00003 and 0.00006; gnomAD 0.00004; TOPMed 0.00005; ExAC 0.00007; ESP Exome Variant Server 0.00015.
gnomAD v4.1: 50 of 1,613,558 alleles (0.0031%); highest among the groups gnomAD compares: Admixed American, 0.005%; no homozygotes.

Submissions (4):

PreventionGenetics, part of Exact Sciences
Classification: Likely benign for SNRNP200-related condition. Last evaluated: 2025-02-10. Review status: criteria provided, single submitter. Criteria: ACMG Guidelines, 2015. Collection method: clinical testing. Allele origin: germline.
Comment: This variant is classified as likely benign based on ACMG/AMP sequence variant interpretation guidelines (Richards et al. 2015 PMID: 25741868, with internal and published modifications).

Labcorp Genetics (formerly Invitae), Labcorp
Classification: Likely benign. Last evaluated: 2025-01-13. Review status: criteria provided, single submitter. Criteria: Invitae Variant Classification Sherloc (09022015). Collection method: clinical testing. Allele origin: germline.

CeGaT Center for Human Genetics Tuebingen
Classification: Likely benign. Last evaluated: 2024-12-01. Review status: criteria provided, single submitter. Criteria: CeGaT Center For Human Genetics Tuebingen Variant Classification Criteria Version 2. Collection method: clinical testing. Allele origin: germline. Affected: yes. Observed: 1 variant allele.
Comment: SNRNP200: BP4, BP7

Blueprint Genetics
Classification: Likely benign. Last evaluated: 2024-10-24. Review status: criteria provided, single submitter. Criteria: ACMG Guidelines, 2015. Collection method: clinical testing. Allele origin: germline.

NM_014014.5(SNRNP200):c.3099G>A (p.Glu1033=)

Gene: SNRNP200 (small nuclear ribonucleoprotein U5 subunit 200; minus strand). Cytogenetic location: 2q11.2.
Variant type: single nucleotide variant.
Coding change: c.3099G>A on transcript NM_014014.5 (MANE Select); coding-DNA position 3099, G replaced by A.
Protein change: p.Glu1033=; no amino-acid change (glutamic acid 1033 retained).
Molecular consequence: synonymous variant.
Genome position (GRCh38, 1-based): chr2:96,289,112, C>T on the plus strand (G>A on the coding strand, the complement: SNRNP200 is on the minus strand). VCF-style: chr2-96289112-C-T. GRCh37 (hg19) VCF-style: chr2-96954850-C-T.
Other names: c.3099G>A (NM_014014.4).
Identifiers: ClinVar variation 1153745 (VCV001153745.24), dbSNP rs375398775, ClinGen allele CA1778553.